The following is an entry in ClinVar:

NM_000051.4(ATM):c.4916C>G (p.Pro1639Arg)

Gene: ATM (ATM serine/threonine kinase; plus strand). Cytogenetic location: 11q22.3.
Variant type: single nucleotide variant.
Coding change: c.4916C>G on transcript NM_000051.4 (MANE Select); coding-DNA position 4916, C replaced by G.
Protein change: p.Pro1639Arg; replaces proline 1639 with arginine.
Molecular consequence: missense variant.
Genome position (GRCh38, 1-based): chr11:108,297,293, C>G. VCF-style: chr11-108297293-C-G. GRCh37 (hg19) VCF-style: chr11-108168020-C-G.
Other names: c.4916C>G, p.Pro1639Arg (NM_001351834.2); short protein forms P1639R.
Identifiers: ClinVar variation 524411 (VCV000524411.11), dbSNP rs752459491, ClinGen allele CA382538012.

ClinVar aggregate classification (germline): Uncertain significance. Review status: criteria provided, multiple submitters, no conflicts (2 of 4 stars). 2 submissions from 2 submitters: Uncertain significance (2). Last evaluated 2024-09-14.

Conditions:
Hereditary cancer-predisposing syndrome. Also called: Neoplastic Syndromes, Hereditary; Tumor predisposition; Hereditary Cancer Syndrome; Hereditary neoplastic syndrome. Identifiers: Orphanet 140162, MedGen C0027672, MeSH D009386, MONDO:0015356.
Ataxia-telangiectasia syndrome (AT). Also called: ATAXIA-TELANGIECTASIA, COMPLEMENTATION GROUP A; ATAXIA-TELANGIECTASIA, FRESNO VARIANT; Ataxia-telangiectasia; Ataxia-telangiectasia, complementation group D; AT, COMPLEMENTATION GROUP C; Ataxia-telangiectasia, complementation group E. Identifiers: Orphanet 100, MedGen C0004135, MONDO:0008840, OMIM 208900.

gnomAD v4.1: 1 of 1,613,424 alleles (0.000062%); highest among the groups gnomAD compares: South Asian, 0.0011%; no homozygotes.

Submissions (2):

Labcorp Genetics (formerly Invitae), Labcorp
Classification: Uncertain significance for Ataxia-telangiectasia syndrome. Last evaluated: 2024-09-14. Review status: criteria provided, single submitter. Criteria: Invitae Variant Classification Sherloc (09022015). Collection method: clinical testing. Allele origin: germline.
Comment: This sequence change replaces proline, which is neutral and non-polar, with arginine, which is basic and polar, at codon 1639 of the ATM protein (p.Pro1639Arg). This variant is not present in population databases (gnomAD no frequency). This variant has not been reported in the literature in individuals affected with ATM-related conditions. ClinVar contains an entry for this variant (Variation ID: 524411). An algorithm developed to predict the effect of missense changes on protein structure and function (PolyPhen-2) suggests that this variant is likely to be disruptive. In summary, the available evidence is currently insufficient to determine the role of this variant in disease. Therefore, it has been classified as a Variant of Uncertain Significance.

Ambry Genetics
Classification: Uncertain significance for Hereditary cancer-predisposing syndrome. Last evaluated: 2024-07-22. Review status: criteria provided, single submitter. Criteria: Ambry Variant Classification Scheme 2023. Collection method: clinical testing. Allele origin: germline.
Comment: The p.P1639R variant (also known as c.4916C>G), located in coding exon 32 of the ATM gene, results from a C to G substitution at nucleotide position 4916. The proline at codon 1639 is replaced by arginine, an amino acid with dissimilar properties. This amino acid position is highly conserved in available vertebrate species. In addition, the in silico prediction for this alteration is inconclusive. Based on the available evidence, the clinical significance of this variant remains unclear.